The following is an entry in ClinVar:

NM_003055.3(SLC18A3):c.238C>T (p.Pro80Ser)

Genes: CHAT (choline O-acetyltransferase; plus strand), SLC18A3 (solute carrier family 18 member A3; plus strand). Cytogenetic location: 10q11.23.
Variant type: single nucleotide variant.
Coding change: c.238C>T on transcript NM_003055.3 (MANE Select); coding-DNA position 238, C replaced by T.
Protein change: p.Pro80Ser; replaces proline 80 with serine.
Molecular consequence: missense variant. On other transcripts: intron variant (1).
Genome position (GRCh38, 1-based): chr10:49,610,978, C>T. VCF-style: chr10-49610978-C-T. GRCh37 (hg19) VCF-style: chr10-50819024-C-T.
Other names: c.-69+1779C>T (NM_020984.4); short protein forms P80S.
Identifiers: ClinVar variation 2117615 (VCV002117615.4), dbSNP rs919585742, ClinGen allele CA206620862.

ClinVar aggregate classification (germline): Uncertain significance (1 of 4 stars; one submission).

Allele frequency attached by ClinVar (database versions not stated): gnomAD exomes below 0.00001.
gnomAD v4.1: 2 of 1,611,496 alleles (0.00012%); highest among the groups gnomAD compares: East Asian, 0.0022%; no homozygotes.

Submission:

Labcorp Genetics (formerly Invitae), Labcorp
Classification: Uncertain significance. Last evaluated: 2022-06-07. Review status: criteria provided, single submitter. Criteria: Invitae Variant Classification Sherloc (09022015). Collection method: clinical testing. Allele origin: germline.
Comment: This sequence change replaces proline, which is neutral and non-polar, with serine, which is neutral and polar, at codon 80 of the SLC18A3 protein (p.Pro80Ser). This variant is not present in population databases (gnomAD no frequency). This variant has not been reported in the literature in individuals affected with SLC18A3-related conditions. Algorithms developed to predict the effect of missense changes on protein structure and function output the following: SIFT: "Tolerated"; PolyPhen-2: "Benign"; Align-GVGD: "Class C0". The serine amino acid residue is found in multiple mammalian species, which suggests that this missense change does not adversely affect protein function. In summary, the available evidence is currently insufficient to determine the role of this variant in disease. Therefore, it has been classified as a Variant of Uncertain Significance.